The following is an entry in ClinVar:

NM_015271.5(TRIM2):c.1871G>T (p.Cys624Phe)

Gene: TRIM2 (tripartite motif containing 2; plus strand). Cytogenetic location: 4q31.3.
Variant type: single nucleotide variant.
Coding change: c.1871G>T on transcript NM_015271.5 (MANE Select); coding-DNA position 1871, G replaced by T.
Protein change: p.Cys624Phe; replaces cysteine 624 with phenylalanine.
Molecular consequence: missense variant.
Genome position (GRCh38, 1-based): chr4:153,322,736, G>T. VCF-style: chr4-153322736-G-T. GRCh37 (hg19) VCF-style: chr4-154243888-G-T.
Other names: c.1790G>T, p.Cys597Phe (NM_001130067.2, NM_001351056.2, NM_001375512.1 and 5 more transcripts); c.1844G>T, p.Cys615Phe (NM_001351054.2); c.1841G>T, p.Cys614Phe (NM_001351055.2); c.1415G>T, p.Cys472Phe (NM_001351057.2); c.1964G>T, p.Cys655Phe (NM_001375488.1); c.1961G>T, p.Cys654Phe (NM_001375489.1); c.1814G>T, p.Cys605Phe (NM_001375490.1); c.1811G>T, p.Cys604Phe (NM_001375491.1); and 3 more; short protein forms C472F, C512F, C604F, C605F, C511F, C513F, C614F, C615F.
Identifiers: ClinVar variation 2823738 (VCV002823738.3), dbSNP rs2546663089, ClinGen allele CA358469458.

ClinVar aggregate classification (germline): Uncertain significance (1 of 4 stars; one submission).

Conditions:
Charcot-Marie-Tooth disease type 2R. Also called: Charcot-Marie-Tooth disease, axonal, type 2R; CHARCOT-MARIE-TOOTH DISEASE, AXONAL, AUTOSOMAL RECESSIVE, TYPE 2R; CHARCOT-MARIE-TOOTH NEUROPATHY, TYPE 2R. Identifiers: Orphanet 397968, MedGen C3809655, MONDO:0014208, OMIM 615490.

Submission:

Labcorp Genetics (formerly Invitae), Labcorp
Classification: Uncertain significance for Charcot-Marie-Tooth disease type 2R. Last evaluated: 2022-12-24. Review status: criteria provided, single submitter. Criteria: Invitae Variant Classification Sherloc (09022015). Collection method: clinical testing. Allele origin: germline.
Comment: This sequence change replaces cysteine, which is neutral and slightly polar, with phenylalanine, which is neutral and non-polar, at codon 597 of the TRIM2 protein (p.Cys597Phe). This variant is not present in population databases (gnomAD no frequency). This variant has not been reported in the literature in individuals affected with TRIM2-related conditions. Algorithms developed to predict the effect of missense changes on protein structure and function are either unavailable or do not agree on the potential impact of this missense change (SIFT: "Deleterious"; PolyPhen-2: "Possibly Damaging"; Align-GVGD: "Class C0"). In summary, the available evidence is currently insufficient to determine the role of this variant in disease. Therefore, it has been classified as a Variant of Uncertain Significance.